The following is an entry in ClinVar:

NM_000038.6(APC):c.5570C>T (p.Ser1857Leu)

Gene: APC (APC regulator of Wnt signaling pathway; plus strand). Cytogenetic location: 5q22.2.
Variant type: single nucleotide variant.
Coding change: c.5570C>T on transcript NM_000038.6 (MANE Select); coding-DNA position 5570, C replaced by T.
Protein change: p.Ser1857Leu; replaces serine 1857 with leucine.
Molecular consequence: missense variant. On other transcripts: non-coding transcript variant (2).
Genome position (GRCh38, 1-based): chr5:112,841,164, C>T. VCF-style: chr5-112841164-C-T. GRCh37 (hg19) VCF-style: chr5-112176861-C-T.
Other names: c.5321C>T, p.Ser1774Leu (NM_001407457.1, NM_001407454.1, NM_001407455.1 and 1 more transcripts); c.5183C>T, p.Ser1728Leu (NM_001407469.1, NM_001407467.1); c.4721C>T, p.Ser1574Leu (NM_001407470.1, NM_001354906.2); c.4418C>T, p.Ser1473Leu (NM_001407471.1, NM_001407472.1); c.5267C>T, p.Ser1756Leu (NM_001407458.1, NM_001407459.1, NM_001407460.1 and 1 more transcripts); c.5570C>T, p.Ser1857Leu (NM_001127510.3, NM_001354895.2, NM_001407450.1); c.5516C>T, p.Ser1839Leu (NM_001127511.3); c.5624C>T, p.Ser1875Leu (NM_001354896.2, NM_001407447.1, NM_001407448.1 and 1 more transcripts); and 11 more; short protein forms S1473L, S1574L, S1697L, S1728L, S1731L, S1756L, S1766L, S1774L.
Identifiers: ClinVar variation 3894509 (VCV003894509.1).

ClinVar aggregate classification (germline): Uncertain significance (1 of 4 stars; one submission).

Conditions:
Hereditary cancer-predisposing syndrome. Also called: Neoplastic Syndromes, Hereditary; Tumor predisposition; Hereditary Cancer Syndrome; Hereditary neoplastic syndrome. Identifiers: Orphanet 140162, MedGen C0027672, MeSH D009386, MONDO:0015356.

Submission:

Color Diagnostics, LLC DBA Color Health
Classification: Uncertain significance for Hereditary cancer-predisposing syndrome. Last evaluated: 2024-02-04. Review status: criteria provided, single submitter. Criteria: ACMG Guidelines, 2015. Collection method: clinical testing. Allele origin: germline.
Comment: This missense variant replaces serine with leucine at codon 1857 of the APC protein. Computational prediction suggests that this variant may have deleterious impact on protein structure and function (internally defined REVEL score threshold >= 0.7, PMID: 27666373). To our knowledge, functional studies have not been reported for this variant. This variant has not been reported in individuals affected with APC-related disorders in the literature. This variant has not been identified in the general population by the Genome Aggregation Database (gnomAD). The available evidence is insufficient to determine the role of this variant in disease conclusively. Therefore, this variant is classified as a Variant of Uncertain Significance.